The following is an entry in ClinVar:

NM_000143.4(FH):c.1390+4dup

Gene: FH (fumarate hydratase; minus strand). Cytogenetic location: 1q43.
Variant type: Duplication.
Coding change: c.1390+4dup on transcript NM_000143.4 (MANE Select); 4 bases into the intron after coding-DNA position 1390, one base duplicated (A; older notation c.1390+4dupA).
Molecular consequence: intron variant.
Genome position (GRCh38, 1-based): chr1:241,500,433, T duplicated on the plus strand (A on the coding strand, the reverse complement: FH is on the minus strand); the first of 2 consecutive T bases (chr1:241,500,433-241,500,434); duplicating either gives the same sequence. VCF-style (leftmost placement, unchanged base first): chr1-241500432-C-CT. GRCh37 (hg19) VCF-style: chr1-241663732-C-CT.
Identifiers: ClinVar variation 2090199 (VCV002090199.4), dbSNP rs2527312713, ClinGen allele CA2580063446.

ClinVar aggregate classification (germline): Uncertain significance (1 of 4 stars; one submission).

Submission:

Labcorp Genetics (formerly Invitae), Labcorp
Classification: Uncertain significance. Last evaluated: 2025-11-24. Review status: criteria provided, single submitter. Criteria: Invitae Variant Classification Sherloc (09022015). Collection method: clinical testing. Allele origin: germline.
Comment: This sequence change falls in intron 9 of the FH gene. It does not directly change the encoded amino acid sequence of the FH protein. It affects a nucleotide within the consensus splice site. This variant is not present in population databases (gnomAD no frequency). This variant has not been reported in the literature in individuals affected with FH-related conditions. ClinVar contains an entry for this variant (Variation ID: 2090199). Variants that disrupt the consensus splice site are a relatively common cause of aberrant splicing (PMID: 17576681, 9536098). Algorithms developed to predict the effect of sequence changes on RNA splicing suggest that this variant is not likely to affect RNA splicing. In summary, the available evidence is currently insufficient to determine the role of this variant in disease. Therefore, it has been classified as a Variant of Uncertain Significance.

Literature cited by the submitters: PubMed 17576681; PubMed 9536098.